The following is an entry in ClinVar:

NM_022552.5(DNMT3A):c.322G>A (p.Gly108Arg)

Gene: DNMT3A (DNA methyltransferase 3 alpha; minus strand). Cytogenetic location: 2p23.3.
Variant type: single nucleotide variant.
Coding change: c.322G>A on transcript NM_022552.5 (MANE Select); coding-DNA position 322, G replaced by A.
Protein change: p.Gly108Arg; replaces glycine 108 with arginine.
Molecular consequence: missense variant. On other transcripts: non-coding transcript variant (1).
Genome position (GRCh38, 1-based): chr2:25,282,567, C>T on the plus strand (G>A on the coding strand, the complement: DNMT3A is on the minus strand). VCF-style: chr2-25282567-C-T. GRCh37 (hg19) VCF-style: chr2-25505436-C-T.
Other names: c.322G>A, p.Gly108Arg (NM_001320892.2, NM_175629.2, NM_175630.1); short protein forms G108R.
Identifiers: ClinVar variation 2581973 (VCV002581973.4), dbSNP rs540173622, ClinGen allele CA43726428.

ClinVar aggregate classification (germline): Uncertain significance. Review status: criteria provided, multiple submitters, no conflicts (2 of 4 stars). 2 submissions from 2 submitters: Uncertain significance (2). Last evaluated 2024-01-15.

Conditions:
Tatton-Brown-Rahman overgrowth syndrome. Also called: Tatton-Brown-Rahman syndrome; Tall stature-intellectual disability-facial dysmorphism syndrome. Identifiers: Orphanet 404443, MedGen C4014545, MONDO:0014382, OMIM 615879.

Allele frequency attached by ClinVar (database versions not stated): TOPMed below 0.00001; gnomAD 0.00001.

Submissions (2):

Labcorp Genetics (formerly Invitae), Labcorp
Classification: Uncertain significance for Tatton-Brown-Rahman overgrowth syndrome. Last evaluated: 2024-01-15. Review status: criteria provided, single submitter. Criteria: Invitae Variant Classification Sherloc (09022015). Collection method: clinical testing. Allele origin: germline.
Comment: This sequence change replaces glycine, which is neutral and non-polar, with arginine, which is basic and polar, at codon 108 of the DNMT3A protein (p.Gly108Arg). This variant is not present in population databases (gnomAD no frequency). This variant has not been reported in the literature in individuals affected with DNMT3A-related conditions. ClinVar contains an entry for this variant (Variation ID: 2581973). An algorithm developed to predict the effect of missense changes on protein structure and function (PolyPhen-2) suggests that this variant is likely to be tolerated. In summary, the available evidence is currently insufficient to determine the role of this variant in disease. Therefore, it has been classified as a Variant of Uncertain Significance.

GeneDx
Classification: Uncertain significance. Last evaluated: 2023-03-29. Review status: criteria provided, single submitter. Criteria: GeneDx Variant Classification Process June 2021. Collection method: clinical testing. Allele origin: germline. Affected: yes.
Comment: Not observed at significant frequency in large population cohorts (gnomAD); In silico analysis supports that this missense variant has a deleterious effect on protein structure/function; Has not been previously published as pathogenic or benign to our knowledge